The following is an entry in ClinVar:

NM_005157.6(ABL1):c.2933C>T (p.Pro978Leu)

Gene: ABL1 (ABL proto-oncogene 1, non-receptor tyrosine kinase; plus strand). Cytogenetic location: 9q34.12.
Variant type: single nucleotide variant.
Coding change: c.2933C>T on transcript NM_005157.6 (MANE Select); coding-DNA position 2933, C replaced by T.
Protein change: p.Pro978Leu; replaces proline 978 with leucine.
Molecular consequence: missense variant.
Genome position (GRCh38, 1-based): chr9:130,885,223, C>T. VCF-style: chr9-130885223-C-T. GRCh37 (hg19) VCF-style: chr9-133760610-C-T.
Other names: c.2990C>T, p.Pro997Leu (NM_007313.3); short protein forms P997L, P978L.
Identifiers: ClinVar variation 1366865 (VCV001366865.6), dbSNP rs1314086926, ClinGen allele CA375260757.
Genomic context (GRCh38, chr9:130,885,223, plus strand): 5'-CCGTGCTCCCGGCCACTCCAAAGCCACAGTCCGCCAAGCCGTCGGGGACCCCCATCAGCC[C>T]AGCCCCCGTTCCCTCCACGTTGCCATCAGCATCCTCGGCCCTGGCAGGGGACCAGCCGTC-3'
Protein context (NP_005148.2, residues 968-988): SAKPSGTPIS[Pro978Leu]APVPSTLPSA

ClinVar aggregate classification (germline): Uncertain significance (1 of 4 stars; one submission).

Submission:

Labcorp Genetics (formerly Invitae), Labcorp
Classification: Uncertain significance. Last evaluated: 2022-02-19. Review status: criteria provided, single submitter. Criteria: Invitae Variant Classification Sherloc (09022015). Collection method: clinical testing. Allele origin: germline.
Comment: This variant has not been reported in the literature in individuals affected with ABL1-related conditions. This variant is not present in population databases (gnomAD no frequency). This sequence change replaces proline, which is neutral and non-polar, with leucine, which is neutral and non-polar, at codon 997 of the ABL1 protein (p.Pro997Leu). Advanced modeling of protein sequence and biophysical properties (such as structural, functional, and spatial information, amino acid conservation, physicochemical variation, residue mobility, and thermodynamic stability) performed at Invitae indicates that this missense variant is not expected to disrupt ABL1 protein function. In summary, the available evidence is currently insufficient to determine the role of this variant in disease. Therefore, it has been classified as a Variant of Uncertain Significance.